The following is an entry in ClinVar:

ClinVar aggregate classification (germline): Uncertain significance (1 of 4 stars; one submission).

Submission:

GeneDx
Classification: Uncertain significance. Last evaluated: 2024-09-18. Review status: criteria provided, single submitter. Criteria: GeneDx Variant Classification Process June 2021. Collection method: clinical testing. Allele origin: germline. Affected: yes.
Comment: Not observed at significant frequency in large population cohorts (gnomAD); In-frame deletion of 5 amino acids in a non-repeat region; In silico analysis indicates that this variant does not alter protein structure/function; Has not been previously published as pathogenic or benign to our knowledge

NM_003072.5(SMARCA4):c.1747_1761delAAAAAGAAAAAGAAG (p.Lys584_Lys588del)

Gene: SMARCA4 (SWI/SNF related BAF chromatin remodeling complex subunit ATPase 4; plus strand). Cytogenetic location: 19p13.2.
Variant type: Deletion.
Coding change: c.1747_1761delAAAAAGAAAAAGAAG on transcript NM_003072.5 (MANE Select); coding-DNA positions 1747 to 1761, 15 bases deleted (AAAAAGAAAAAGAAG).
Protein change: p.Lys584_Lys588del.
Molecular consequence: non-coding transcript variant (on NR_164683.1).
Genome position (GRCh38, 1-based): chr19:10,996,366-10,996,380, AAAAAGAAAAAGAAG deleted; deleting any 15 consecutive bases within chr19:10,996,355-10,996,380 gives the same sequence; the c. name uses the placement nearest the transcript's 3' end. VCF-style (leftmost placement, unchanged base first): chr19-10996354-GAGAAAAAGAAGAAAA-G. GRCh37 (hg19) VCF-style: chr19-11107030-GAGAAAAAGAAGAAAA-G.
Other names: c.1747_1761delAAAAAGAAAAAGAAG, p.Lys584_Lys588del (NM_001128844.3, NM_001128845.2, NM_001128846.2 and 6 more transcripts).
Identifiers: ClinVar variation 3774080 (VCV003774080.1).